The following is an entry in ClinVar:

NM_058246.4(DNAJB6):c.731G>A (p.Arg244Gln)

Gene: DNAJB6 (DnaJ heat shock protein family (Hsp40) member B6; plus strand). Cytogenetic location: 7q36.3.
Variant type: single nucleotide variant.
Coding change: c.731G>A on transcript NM_058246.4 (MANE Select); coding-DNA position 731, G replaced by A.
Protein change: p.Arg244Gln; replaces arginine 244 with glutamine.
Molecular consequence: missense variant.
Genome position (GRCh38, 1-based): chr7:157,409,834, G>A. VCF-style: chr7-157409834-G-A. GRCh37 (hg19) VCF-style: chr7-157202528-G-A.
Other names: c.386G>A, p.Arg129Gln (NM_001363676.1); short protein forms R244Q, R129Q.
Identifiers: ClinVar variation 1408181 (VCV001408181.10), dbSNP rs1353253340, ClinGen allele CA370167220.
Genomic context (GRCh38, chr7:157,409,834, plus strand): 5'-TCTCTCCCGCTGTGCCTGCAGGTGTGGCCGACGACGATGCCCTCGCTGAGGAGCGCATGC[G>A]GAGAGGCCAGAACGCCCTGCCAGCCCAGCCTGCCGGCCTCCGCCCGCCGAAGCCGCCCCG-3'
Protein context (NP_490647.1, residues 234-254): DDDALAEERM[Arg244Gln]RGQNALPAQP

ClinVar aggregate classification (germline): Uncertain significance. Review status: criteria provided, multiple submitters, no conflicts (2 of 4 stars). 2 submissions from 2 submitters: Uncertain significance (2). Last evaluated 2022-06-13.

Conditions:
Autosomal dominant limb-girdle muscular dystrophy type 1D (DNAJB6) (LGMDD1). Also called: MUSCULAR DYSTROPHY, LIMB-GIRDLE, TYPE 1D; Autosomal dominant limb-girdle muscular dystrophy type 1D; Muscular dystrophy, limb-girdle, autosomal dominant 1; MUSCULAR DYSTROPHY, AUTOSOMAL DOMINANT, WITH RIMMED VACUOLES. Identifiers: Orphanet 34516, MedGen C4721885, MONDO:0021018, OMIM 603511.

Submissions (2):

Labcorp Genetics (formerly Invitae), Labcorp
Classification: Uncertain significance for Autosomal dominant limb-girdle muscular dystrophy type 1D (DNAJB6). Last evaluated: 2022-06-13. Review status: criteria provided, single submitter. Criteria: Invitae Variant Classification Sherloc (09022015). Collection method: clinical testing. Allele origin: germline.
Comment: In summary, the available evidence is currently insufficient to determine the role of this variant in disease. Therefore, it has been classified as a Variant of Uncertain Significance. This sequence change replaces arginine, which is basic and polar, with glutamine, which is neutral and polar, at codon 244 of the DNAJB6 protein (p.Arg244Gln). This variant is not present in population databases (gnomAD no frequency). This variant has not been reported in the literature in individuals affected with DNAJB6-related conditions. Algorithms developed to predict the effect of missense changes on protein structure and function output the following: SIFT: "Tolerated"; PolyPhen-2: "Not Available"; Align-GVGD: "Class C0". The glutamine amino acid residue is found in multiple mammalian species, which suggests that this missense change does not adversely affect protein function.

Revvity Omics, Revvity
Classification: Uncertain significance for Autosomal dominant limb-girdle muscular dystrophy type 1D (DNAJB6). Last evaluated: 2021-04-26. Review status: criteria provided, single submitter. Criteria: ACMG Guidelines, 2015. Collection method: clinical testing. Allele origin: germline.